The following is an entry in ClinVar:

NM_000268.4(NF2):c.1435C>A (p.Pro479Thr)

Gene: NF2 (NF2, moesin-ezrin-radixin like (MERLIN) tumor suppressor; plus strand). Cytogenetic location: 22q12.2.
Variant type: single nucleotide variant.
Coding change: c.1435C>A on transcript NM_000268.4 (MANE Select); coding-DNA position 1435, C replaced by A.
Protein change: p.Pro479Thr; replaces proline 479 with threonine.
Molecular consequence: missense variant. On other transcripts: non-coding transcript variant (1), intron variant (1).
Genome position (GRCh38, 1-based): chr22:29,674,930, C>A. VCF-style: chr22-29674930-C-A. GRCh37 (hg19) VCF-style: chr22-30070919-C-A.
Other names: c.1321C>A, p.Pro441Thr (NM_001407053.1, NM_001407056.1); c.1312C>A, p.Pro438Thr (NM_001407054.1, NM_001407058.1, NM_181829.3); c.1309C>A, p.Pro437Thr (NM_001407055.1, NM_181828.3); c.1300C>A, p.Pro434Thr (NM_001407057.1, NM_001407059.1); c.1435C>A, p.Pro479Thr (NM_001407060.1, NM_001407066.1, NM_016418.5 and 2 more transcripts); c.1177C>A, p.Pro393Thr (NM_001407062.1); c.1186C>A, p.Pro396Thr (NM_001407063.1, NM_001407064.1, NM_181830.3 and 1 more transcripts); c.901C>A, p.Pro301Thr (NM_001407065.1); and 2 more; short protein forms P301T, P437T, P393T, P402T, P434T, P396T, P438T, P441T.
Identifiers: ClinVar variation 1979884 (VCV001979884.4), dbSNP rs768587800, ClinGen allele CA411149195.

ClinVar aggregate classification (germline): Uncertain significance (1 of 4 stars; one submission).

Conditions:
Neurofibromatosis, type 2 (SWNV). Also called: SCHWANNOMATOSIS, VESTIBULAR; NF2-Related Schwannomatosis; BILATERAL ACOUSTIC NEUROFIBROMATOSIS. Identifiers: Orphanet 637, MedGen C0027832, MONDO:0007039, OMIM 101000. Disease mechanism: loss of function.

Submission:

Labcorp Genetics (formerly Invitae), Labcorp
Classification: Uncertain significance for Neurofibromatosis, type 2. Last evaluated: 2022-07-17. Review status: criteria provided, single submitter. Criteria: Invitae Variant Classification Sherloc (09022015). Collection method: clinical testing. Allele origin: germline.
Comment: In summary, the available evidence is currently insufficient to determine the role of this variant in disease. Therefore, it has been classified as a Variant of Uncertain Significance. Algorithms developed to predict the effect of missense changes on protein structure and function (SIFT, PolyPhen-2, Align-GVGD) all suggest that this variant is likely to be tolerated. This sequence change replaces proline, which is neutral and non-polar, with threonine, which is neutral and polar, at codon 479 of the NF2 protein (p.Pro479Thr). This variant is not present in population databases (gnomAD no frequency). This variant has not been reported in the literature in individuals affected with NF2-related conditions.